The following is an entry in ClinVar:

ClinVar aggregate classification (germline): Likely pathogenic (1 of 4 stars; one submission).

Conditions:
Cornelia de Lange-like syndrome.

Submission:

Laboratorio de Genetica e Diagnostico Molecular, Hospital Israelita Albert Einstein
Classification: Likely pathogenic for Cornelia de Lange-like syndrome. Last evaluated: 2022-09-17. Review status: criteria provided, single submitter. Criteria: ACMG Guidelines, 2015. Collection method: clinical testing. Allele origin: germline. Affected: yes. Observed: 1 variant allele.
Comment: ACMG classification criteria: PVS1 very strong, PM2 moderated

NM_001379291.1(BRD4):c.3282+2T>C

Gene: BRD4 (bromodomain containing 4; minus strand). Cytogenetic location: 19p13.12.
Variant type: single nucleotide variant.
Coding change: c.3282+2T>C on transcript NM_001379291.1 (MANE Select); the canonical splice donor site of the intron after coding-DNA position 3282, T replaced by C.
Molecular consequence: splice donor variant.
Genome position (GRCh38, 1-based): chr19:15,239,908, A>G on the plus strand (T>C on the coding strand, the complement: BRD4 is on the minus strand). VCF-style: chr19-15239908-A-G. GRCh37 (hg19) VCF-style: chr19-15350719-A-G.
Other names: c.3282+2T>C (NM_058243.3).
Identifiers: ClinVar variation 2431678 (VCV002431678.2), dbSNP rs2512706092, ClinGen allele CA404500274.